The following is an entry in ClinVar:

ClinVar aggregate classification (germline): Uncertain significance (1 of 4 stars; one submission).

Submission:

GeneDx
Classification: Uncertain significance. Last evaluated: 2024-12-18. Review status: criteria provided, single submitter. Criteria: GeneDx Variant Classification Process June 2021. Collection method: clinical testing. Allele origin: germline. Affected: yes.
Comment: Not observed at significant frequency in large population cohorts (gnomAD); In silico analysis supports that this missense variant has a deleterious effect on protein structure/function; Has not been previously published as pathogenic or benign to our knowledge

NM_004415.4(DSP):c.6368G>T (p.Arg2123Leu)

Gene: DSP (desmoplakin; plus strand). Cytogenetic location: 6p24.3.
Variant type: single nucleotide variant.
Coding change: c.6368G>T on transcript NM_004415.4 (MANE Select); coding-DNA position 6368, G replaced by T.
Protein change: p.Arg2123Leu; replaces arginine 2123 with leucine.
Molecular consequence: missense variant.
Genome position (GRCh38, 1-based): chr6:7,583,630, G>T. VCF-style: chr6-7583630-G-T. GRCh37 (hg19) VCF-style: chr6-7583863-G-T.
Other names: c.4571G>T, p.Arg1524Leu (NM_001008844.3); c.5039G>T, p.Arg1680Leu (NM_001319034.2); c.6368G>T (NM_004415.2); short protein forms R1524L, R1680L, R2123L.
Identifiers: ClinVar variation 3906729 (VCV003906729.1), dbSNP rs142272846.
Genomic context (GRCh38, chr6:7,583,630, plus strand): 5'-AGACAGTATCTGTTTCAGAAGCCATCAAGAAAAATTTGATTGATAGAGAAACCGGAATGC[G>T]CCTGCTGGAAGCCCAGATTGCTTCAGGGGGTGTAGTAGACCCTGTGAACAGTGTCTTTTT-3'
Protein context (NP_004406.2, residues 2113-2133): KNLIDRETGM[Arg2123Leu]LLEAQIASGG